The following is an entry in ClinVar:

NM_024675.4(PALB2):c.274A>G (p.Thr92Ala)

Gene: PALB2 (partner and localizer of BRCA2; minus strand). Cytogenetic location: 16p12.2.
Variant type: single nucleotide variant.
Coding change: c.274A>G on transcript NM_024675.4 (MANE Select); coding-DNA position 274, A replaced by G.
Protein change: p.Thr92Ala; replaces threonine 92 with alanine.
Molecular consequence: missense variant. On other transcripts: 5 prime UTR variant (8), intron variant (3).
Genome position (GRCh38, 1-based): chr16:23,636,272, T>C on the plus strand (A>G on the coding strand, the complement: PALB2 is on the minus strand). VCF-style: chr16-23636272-T-C. GRCh37 (hg19) VCF-style: chr16-23647593-T-C.
Other names: c.214A>G, p.Thr72Ala (NM_001407296.1); c.274A>G, p.Thr92Ala (NM_001407297.1, NM_001407298.1, NM_001407299.1 and 3 more transcripts); c.-612A>G (NM_001407304.1, NM_001407305.1, NM_001407306.1 and 5 more transcripts); c.48+4838A>G (NM_001407314.1); c.-105+4838A>G (NM_001407313.1, NM_001407312.1); short protein forms T92A, T72A.
Identifiers: ClinVar variation 3413490 (VCV003413490.1).

ClinVar aggregate classification (germline): Uncertain significance (1 of 4 stars; one submission).

Conditions:
Hereditary cancer-predisposing syndrome. Also called: Neoplastic Syndromes, Hereditary; Tumor predisposition; Hereditary Cancer Syndrome; Hereditary neoplastic syndrome. Identifiers: Orphanet 140162, MedGen C0027672, MeSH D009386, MONDO:0015356.

Submission:

Ambry Genetics
Classification: Uncertain significance for Hereditary cancer-predisposing syndrome. Last evaluated: 2024-11-03. Review status: criteria provided, single submitter. Criteria: Ambry Variant Classification Scheme 2023. Collection method: clinical testing. Allele origin: germline.
Comment: The p.T92A variant (also known as c.274A>G), located in coding exon 4 of the PALB2 gene, results from an A to G substitution at nucleotide position 274. The threonine at codon 92 is replaced by alanine, an amino acid with similar properties. This amino acid position is conserved. In addition, this alteration is predicted to be tolerated by in silico analysis. Based on the available evidence, the clinical significance of this variant remains unclear.